The following is an entry in ClinVar:

NM_133433.4(NIPBL):c.4181T>C (p.Val1394Ala)

Gene: NIPBL (NIPBL cohesin loading factor; plus strand). Cytogenetic location: 5p13.2.
Variant type: single nucleotide variant.
Coding change: c.4181T>C on transcript NM_133433.4 (MANE Select); coding-DNA position 4181, T replaced by C.
Protein change: p.Val1394Ala; replaces valine 1394 with alanine.
Molecular consequence: missense variant.
Genome position (GRCh38, 1-based): chr5:37,007,416, T>C. VCF-style: chr5-37007416-T-C. GRCh37 (hg19) VCF-style: chr5-37007518-T-C.
Other names: c.4181T>C, p.Val1394Ala (NM_015384.5); short protein forms V1394A.
Identifiers: ClinVar variation 2094703 (VCV002094703.4), dbSNP rs2478158115, ClinGen allele CA359525879.

ClinVar aggregate classification (germline): Uncertain significance (1 of 4 stars; one submission).

Conditions:
Cornelia de Lange syndrome 1 (CDLS1). Also called: Brachmann de Lange syndrome; NIPBL-Related Cornelia de Lange Syndrome; TYPUS DEGENERATIVUS AMSTELODAMENSIS. Identifiers: Orphanet 199, MedGen C4551851, MONDO:0007387, OMIM 122470.

Submission:

Labcorp Genetics (formerly Invitae), Labcorp
Classification: Uncertain significance for Cornelia de Lange syndrome 1. Last evaluated: 2022-02-08. Review status: criteria provided, single submitter. Criteria: Invitae Variant Classification Sherloc (09022015). Collection method: clinical testing. Allele origin: germline.
Comment: In summary, the available evidence is currently insufficient to determine the role of this variant in disease. Therefore, it has been classified as a Variant of Uncertain Significance. Advanced modeling of protein sequence and biophysical properties (such as structural, functional, and spatial information, amino acid conservation, physicochemical variation, residue mobility, and thermodynamic stability) performed at Invitae indicates that this missense variant is expected to disrupt NIPBL protein function. This variant has not been reported in the literature in individuals affected with NIPBL-related conditions. This variant is not present in population databases (gnomAD no frequency). This sequence change replaces valine, which is neutral and non-polar, with alanine, which is neutral and non-polar, at codon 1394 of the NIPBL protein (p.Val1394Ala).